The following is an entry in ClinVar:

NM_001386140.1(MTTP):c.414T>A (p.Tyr138Ter)

Gene: MTTP (microsomal triglyceride transfer protein; plus strand). Cytogenetic location: 4q23.
Variant type: single nucleotide variant.
Coding change: c.414T>A on transcript NM_001386140.1 (MANE Select); coding-DNA position 414, T replaced by A.
Protein change: p.Tyr138Ter; replaces tyrosine 138 with a stop codon.
Molecular consequence: nonsense.
Genome position (GRCh38, 1-based): chr4:99,589,663, T>A. VCF-style: chr4-99589663-T-A. GRCh37 (hg19) VCF-style: chr4-100510820-T-A.
Other names: c.414T>A, p.Tyr138Ter (NM_000253.4); c.165T>A, p.Tyr55Ter (NM_001300785.2); short protein forms Y138*, Y55*.
Identifiers: ClinVar variation 2128305 (VCV002128305.4), dbSNP rs2110217058, ClinGen allele CA357503366.
Genomic context (GRCh38, chr4:99,589,663, plus strand): 5'-TTTTTGCTTCATTTGTGTTCTGTTCCCCTCTCCCCACCAGGTCAAAGAGTTCTACTCATA[T>A]CAAAATGAGGCAGTGGCCATAGAAAATATCAAGAGAGGTCTGGCTAGCCTATTTCAGACA-3'

ClinVar aggregate classification (germline): Pathogenic (1 of 4 stars; one submission).

Submission:

Labcorp Genetics (formerly Invitae), Labcorp
Classification: Pathogenic. Last evaluated: 2022-08-05. Review status: criteria provided, single submitter. Criteria: Invitae Variant Classification Sherloc (09022015). Collection method: clinical testing. Allele origin: germline.
Comment: Algorithms developed to predict the effect of sequence changes on RNA splicing suggest that this variant may disrupt the consensus splice site. This variant has not been reported in the literature in individuals affected with MTTP-related conditions. This variant is not present in population databases (gnomAD no frequency). This sequence change creates a premature translational stop signal (p.Tyr138*) in the MTTP gene. It is expected to result in an absent or disrupted protein product. Loss-of-function variants in MTTP are known to be pathogenic (PMID: 8533758, 9671739). For these reasons, this variant has been classified as Pathogenic.

Literature cited by the submitters: PubMed 8533758; PubMed 9671739.